The following is an entry in ClinVar:

ClinVar aggregate classification (germline): Conflicting classifications of pathogenicity. Review status: criteria provided, conflicting classifications (1 of 4 stars). 5 submissions from 3 submitters: Uncertain significance (4); Likely benign (1). Last evaluated 2025-12-26.

Conditions:
Hyperinsulinemic hypoglycemia, familial, 2. Also called: HYPERINSULINEMIC HYPOGLYCEMIA, PERSISTENT; HYPERINSULINISM, NEONATAL. Identifiers: Orphanet 276580, Orphanet 276603, MedGen C2931833, MONDO:0011153, OMIM 601820. Disease mechanism: loss of function.
Maturity-onset diabetes of the young type 13. Also called: MODY, TYPE 13. Identifiers: Orphanet 552, MedGen C4225365, MONDO:0014589, OMIM 616329.
Maturity-onset diabetes of the young (MODY). Also called: Maturity onset diabetes mellitus in young. Identifiers: Orphanet 552, MedGen C0342276, MONDO:0018911, HP:0004904.
Diabetes mellitus, transient neonatal, 3 (TNDM3). Identifiers: Orphanet 99886, MedGen C1864623, MONDO:0012522, OMIM 610582. Disease mechanism: loss of function.

Allele frequency attached by ClinVar (database versions not stated): gnomAD 0.00001; TOPMed 0.00001; gnomAD exomes 0.00004.
gnomAD v4.1: 53 of 1,611,556 alleles (0.0033%); highest among the groups gnomAD compares: Non-Finnish European, 0.0042%; no homozygotes.

Submissions (5):

Labcorp Genetics (formerly Invitae), Labcorp
Classification: Likely benign. Last evaluated: 2025-12-26. Review status: criteria provided, single submitter. Criteria: Invitae Variant Classification Sherloc (09022015). Collection method: clinical testing. Allele origin: germline.

Illumina Laboratory Services, Illumina
Classification: Uncertain significance for Diabetes mellitus, transient neonatal, 3. Last evaluated: 2018-01-13. Review status: criteria provided, single submitter. Criteria: ICSL Variant Classification Criteria 13 December 2019. Collection method: clinical testing. Allele origin: germline.

Illumina Laboratory Services, Illumina
Classification: Uncertain significance for Hyperinsulinemic hypoglycemia, familial, 2. Last evaluated: 2018-01-13. Review status: criteria provided, single submitter. Criteria: ICSL Variant Classification Criteria 13 December 2019. Collection method: clinical testing. Allele origin: germline.

Illumina Laboratory Services, Illumina
Classification: Uncertain significance for Maturity-onset diabetes of the young type 13. Last evaluated: 2018-01-13. Review status: criteria provided, single submitter. Criteria: ICSL Variant Classification Criteria 13 December 2019. Collection method: clinical testing. Allele origin: germline.

Clinical Genomics, Uppaluri K&H Personalized Medicine Clinic
Classification: Uncertain significance for Maturity-onset diabetes of the young. Review status: criteria provided, single submitter. Criteria: K&H Uppaluri Personalized Medicine Clinic Variant Classification & Assertion Criteria. Collection method: research. Allele origin: somatic. Inheritance: Autosomal dominant inheritance.
Comment: Mutations in KCNJ11 gene can cause decreased production and secretion of insulin. This can lead to MODY which may be responsive to oral sulfonylureas. It is also associated with Neonatal Diabetes. However, no sufficient evidence is found to ascertain the role of rs1450567888 variant in MODY yet.

Literature cited by the submitters: PubMed 26448950 (cited by Clinical Genomics, Uppaluri K&H Personalized Medicine Clinic); PubMed 15580558 (cited by Clinical Genomics, Uppaluri K&H Personalized Medicine Clinic); PubMed 15718250 (cited by Clinical Genomics, Uppaluri K&H Personalized Medicine Clinic); PubMed 32935446 (cited by Clinical Genomics, Uppaluri K&H Personalized Medicine Clinic); PubMed 22701567 (cited by Clinical Genomics, Uppaluri K&H Personalized Medicine Clinic).

NM_000525.4(KCNJ11):c.1172G>A (p.Ter391=)

Gene: KCNJ11 (potassium inwardly rectifying channel subfamily J member 11; minus strand). Cytogenetic location: 11p15.1.
Variant type: single nucleotide variant.
Coding change: c.1172G>A on transcript NM_000525.4 (MANE Select); coding-DNA position 1172, G replaced by A.
Protein change: p.Ter391=.
Molecular consequence: synonymous variant.
Genome position (GRCh38, 1-based): chr11:17,386,920, C>T on the plus strand (G>A on the coding strand, the complement: KCNJ11 is on the minus strand). VCF-style: chr11-17386920-C-T. GRCh37 (hg19) VCF-style: chr11-17408467-C-T.
Other names: c.911G>A, p.Ter304= (NM_001166290.2, NM_001377296.1, NM_001377297.1).
Identifiers: ClinVar variation 877617 (VCV000877617.8), dbSNP rs1450567888, ClinGen allele CA473514897.
Genomic context (GRCh38, chr11:17,386,920, plus strand): 5'-GCTACATACCACATGGTCCGTGTGTACACACGCGTGTGGGGGGCCCGAGAGACCATGGCT[C>T]AGGACAGGGAATCTGGAGAGATGCTGAACTTGGGCTTGGCCTTGGCCATGGGCACGCTGC-3'